The following is an entry in ClinVar:

NM_001388308.1(KIF12):c.1914T>G (p.Ser638Arg)

Gene: KIF12 (kinesin family member 12; minus strand). Cytogenetic location: 9q32.
Variant type: single nucleotide variant.
Coding change: c.1914T>G on transcript NM_001388308.1 (MANE Select); coding-DNA position 1914, T replaced by G.
Protein change: p.Ser638Arg; replaces serine 638 with arginine.
Molecular consequence: missense variant.
Genome position (GRCh38, 1-based): chr9:114,091,903, A>C on the plus strand (T>G on the coding strand, the complement: KIF12 is on the minus strand). VCF-style: chr9-114091903-A-C. GRCh37 (hg19) VCF-style: chr9-116854183-A-C.
Other names: c.1500T>G, p.Ser500Arg (NM_138424.2); c.1500T>G (NM_138424.1); short protein forms S500R, S638R.
Identifiers: ClinVar variation 2695099 (VCV002695099.5), dbSNP rs117751044, ClinGen allele CA5200359.

ClinVar aggregate classification (germline): Conflicting classifications of pathogenicity. Review status: criteria provided, conflicting classifications (1 of 4 stars). 3 submissions from 3 submitters: Uncertain significance (1); Likely benign (2). Last evaluated 2025-11-30.

Conditions:
KIF12-related disorder. Also called: KIF12-related condition.
Inborn genetic diseases. Identifiers: MedGen C0950123, MeSH D030342.

gnomAD v4.1: 131 of 1,611,496 alleles (0.0081%); highest among the groups gnomAD compares: African/African-American, 0.16%; 1 homozygote.

Submissions (3):

PreventionGenetics, part of Exact Sciences
Classification: Likely benign for KIF12-related condition. Last evaluated: 2025-11-30. Review status: criteria provided, single submitter. Criteria: ACMG Guidelines, 2015. Collection method: clinical testing. Allele origin: germline.
Comment: This variant is classified as likely benign based on ACMG/AMP sequence variant interpretation guidelines (Richards et al. 2015 PMID: 25741868, with internal and published modifications).

Labcorp Genetics (formerly Invitae), Labcorp
Classification: Likely benign. Last evaluated: 2025-08-31. Review status: criteria provided, single submitter. Criteria: Invitae Variant Classification Sherloc (09022015). Collection method: clinical testing. Allele origin: germline.

Ambry Genetics
Classification: Uncertain significance for Inborn genetic diseases. Last evaluated: 2021-10-12. Review status: criteria provided, single submitter. Criteria: Ambry Variant Classification Scheme 2023. Collection method: clinical testing. Allele origin: germline.